The following is an entry in ClinVar:

ClinVar aggregate classification (germline): Benign/Likely benign. Review status: criteria provided, multiple submitters, no conflicts (2 of 4 stars). 3 submissions from 3 submitters: Benign (1); Likely benign (2). Last evaluated 2025-09-12.

Conditions:
Hereditary cancer-predisposing syndrome. Also called: Tumor predisposition; Hereditary Cancer Syndrome; Neoplastic Syndromes, Hereditary; Hereditary neoplastic syndrome. Identifiers: Orphanet 140162, MedGen C0027672, MeSH D009386, MONDO:0015356.
Birt-Hogg-Dube syndrome. Also called: Birt Hogg Dubé syndrome. Identifiers: Orphanet 122, MedGen C0346010, MONDO:0800444.
Birt-Hogg-Dube syndrome 1 (BHD1). Also called: FIBROFOLLICULOMAS WITH TRICHODISCOMAS AND ACROCHORDONS. Identifiers: Orphanet 122, MedGen CN375946, MONDO:0800445, OMIM 135150.

Allele frequency attached by ClinVar (database versions not stated): gnomAD exomes below 0.00001; ExAC 0.00001.
gnomAD v4.1: 2 of 1,614,156 alleles (0.00012%); highest among the groups gnomAD compares: Admixed American, 0.0017%; no homozygotes.

Submissions (3):

Labcorp Genetics (formerly Invitae), Labcorp
Classification: Likely benign for Birt-Hogg-Dube syndrome. Last evaluated: 2025-09-12. Review status: criteria provided, single submitter. Criteria: Invitae Variant Classification Sherloc (09022015). Collection method: clinical testing. Allele origin: germline.

Myriad Genetics, Inc.
Classification: Benign for Birt-Hogg-Dube syndrome 1. Last evaluated: 2024-10-22. Review status: criteria provided, single submitter. Criteria: Myriad Autosomal Dominant, Autosomal Recessive and X-Linked Classification Criteria (2023). Collection method: clinical testing. Allele origin: unknown.
Comment: This variant is considered benign. This variant is a silent/synonymous amino acid change and it is not expected to impact splicing.

Ambry Genetics
Classification: Likely benign for Hereditary cancer-predisposing syndrome. Last evaluated: 2020-08-20. Review status: criteria provided, single submitter. Criteria: Ambry Variant Classification Scheme 2023. Collection method: clinical testing. Allele origin: germline.

NM_144997.7(FLCN):c.306C>T (p.Thr102=)

Gene: FLCN (folliculin; minus strand). Cytogenetic location: 17p11.2.
Variant type: single nucleotide variant.
Coding change: c.306C>T on transcript NM_144997.7 (MANE Select); coding-DNA position 306, C replaced by T.
Protein change: p.Thr102=; no amino-acid change (threonine 102 retained).
Molecular consequence: synonymous variant.
Genome position (GRCh38, 1-based): chr17:17,226,266, G>A on the plus strand (C>T on the coding strand, the complement: FLCN is on the minus strand). VCF-style: chr17-17226266-G-A. GRCh37 (hg19) VCF-style: chr17-17129580-G-A.
Other names: c.306C>T, p.Thr102= (NM_001353229.2, NM_001353230.2, NM_001353231.2 and 1 more transcripts).
Identifiers: ClinVar variation 762471 (VCV000762471.10), dbSNP rs762265819, ClinGen allele CA8416455.